The following is an entry in ClinVar:

ClinVar aggregate classification (germline): Pathogenic/Likely pathogenic. Review status: criteria provided, multiple submitters, no conflicts (2 of 4 stars). 3 submissions from 3 submitters: Pathogenic (2); Likely pathogenic (1). Last evaluated 2024-04-02.

Conditions:
Leucine-induced hypoglycemia (LIH). Also called: LEUCINE-SENSITIVE HYPOGLYCEMIA OF INFANCY. Identifiers: MedGen C0271714, MONDO:0009415, OMIM 240800.
Diabetes mellitus, permanent neonatal 3. Also called: ABCC8-Related Permanent Neonatal Diabetes Mellitus. Identifiers: MedGen C5394303, MONDO:0030088, OMIM 618857.
Diabetes mellitus, transient neonatal, 2 (TNDM2). Identifiers: Orphanet 99886, MedGen C1835887, MONDO:0012480, OMIM 610374. Disease mechanism: loss of function.
Type 2 diabetes mellitus. Also called: Type II diabetes mellitus. Identifiers: MedGen C0011860, MeSH D003924, MONDO:0005148, OMIM 125853, HP:0005978.
Hyperinsulinemic hypoglycemia, familial, 1 (HHF1). Also called: Persistent hyperinsulinemic hypoglycemia of infancy; HYPERINSULINISM, FAMILIAL, WITH PANCREATIC NESIDIOBLASTOSIS; HYPOGLYCEMIA, HYPERINSULINEMIC, OF INFANCY; NESIDIOBLASTOSIS OF PANCREAS; Persistent Hyperinsulinemia Hypoglycemia of Infancy. Identifiers: Orphanet 276575, Orphanet 276598, MedGen C2931832, MONDO:0009734, OMIM 256450.

Allele frequency attached by ClinVar (database versions not stated): gnomAD exomes below 0.00001.
gnomAD v4.1: 2 of 1,560,164 alleles (0.00013%); highest among the groups gnomAD compares: East Asian, 0.0024%; no homozygotes.

Submissions (3):

Fulgent Genetics
Classification: Likely pathogenic for Type 2 diabetes mellitus; Leucine-induced hypoglycemia; Hyperinsulinemic hypoglycemia, familial, 1; Diabetes mellitus, transient neonatal, 2; Diabetes mellitus, permanent neonatal 3. Last evaluated: 2024-04-02. Review status: criteria provided, single submitter. Criteria: ACMG Guidelines, 2015. Collection method: clinical testing. Allele origin: germline.

Baylor Genetics
Classification: Pathogenic for Type 2 diabetes mellitus. Last evaluated: 2024-02-12. Review status: criteria provided, single submitter. Criteria: ACMG Guidelines, 2015. Collection method: clinical testing. Allele origin: unknown.

Labcorp Genetics (formerly Invitae), Labcorp
Classification: Pathogenic. Last evaluated: 2023-10-13. Review status: criteria provided, single submitter. Criteria: Invitae Variant Classification Sherloc (09022015). Collection method: clinical testing. Allele origin: germline.
Comment: This sequence change replaces proline, which is neutral and non-polar, with leucine, which is neutral and non-polar, at codon 1413 of the ABCC8 protein (p.Pro1413Leu). This variant is not present in population databases (gnomAD no frequency). This missense change has been observed in individuals with autosomal recessive diffuse or focal hyperinsulinism (PMID: 16882742, 22308858, 34682101). This variant is also known as c.4241C>T (P1414L). Advanced modeling of protein sequence and biophysical properties (such as structural, functional, and spatial information, amino acid conservation, physicochemical variation, residue mobility, and thermodynamic stability) performed at Invitae indicates that this missense variant is expected to disrupt ABCC8 protein function. For these reasons, this variant has been classified as Pathogenic.

Literature cited by the submitters: PubMed 16882742 (cited by Labcorp Genetics (formerly Invitae), Labcorp); PubMed 22308858 (cited by Labcorp Genetics (formerly Invitae), Labcorp); PubMed 34682101 (cited by Labcorp Genetics (formerly Invitae), Labcorp).

NM_000352.6(ABCC8):c.4238C>T (p.Pro1413Leu)

Gene: ABCC8 (ATP binding cassette subfamily C member 8; minus strand). Cytogenetic location: 11p15.1.
Variant type: single nucleotide variant.
Coding change: c.4238C>T on transcript NM_000352.6 (MANE Select); coding-DNA position 4238, C replaced by T.
Protein change: p.Pro1413Leu; replaces proline 1413 with leucine.
Molecular consequence: missense variant. On other transcripts: non-coding transcript variant (1).
Genome position (GRCh38, 1-based): chr11:17,395,679, G>A on the plus strand (C>T on the coding strand, the complement: ABCC8 is on the minus strand). VCF-style: chr11-17395679-G-A. GRCh37 (hg19) VCF-style: chr11-17417226-G-A.
Other names: c.4241C>T, p.Pro1414Leu (NM_001287174.3); c.4304C>T, p.Pro1435Leu (NM_001351295.2); c.4238C>T, p.Pro1413Leu (NM_001351296.2); c.4235C>T, p.Pro1412Leu (NM_001351297.2); short protein forms P1412L, P1413L, P1414L, P1435L.
Identifiers: ClinVar variation 2677316 (VCV002677316.6), dbSNP rs1436692401, ClinGen allele CA379786862.